The following is an entry in ClinVar:

NM_007294.4(BRCA1):c.2437G>T (p.Gly813Ter)

Gene: BRCA1 (BRCA1 DNA repair associated; minus strand). Cytogenetic location: 17q21.31.
Variant type: single nucleotide variant.
Coding change: c.2437G>T on transcript NM_007294.4 (MANE Select); coding-DNA position 2437, G replaced by T.
Protein change: p.Gly813Ter; replaces glycine 813 with a stop codon.
Molecular consequence: nonsense. On other transcripts: intron variant (137).
Genome position (GRCh38, 1-based): chr17:43,093,094, C>A on the plus strand (G>T on the coding strand, the complement: BRCA1 is on the minus strand). VCF-style: chr17-43093094-C-A. GRCh37 (hg19) VCF-style: chr17-41245111-C-A.
Other names: 2556G>T; c.2224G>T, p.Gly742Ter (NM_001407571.1, NM_001407853.1, NM_001407894.1 and 9 more transcripts); c.2437G>T, p.Gly813Ter (NM_001407581.1, NM_001407582.1, NM_001407583.1 and 30 more transcripts); c.2434G>T, p.Gly812Ter (NM_001407587.1, NM_001407590.1, NM_001407591.1 and 22 more transcripts); c.2428G>T, p.Gly810Ter (NM_001407646.1, NM_001407647.1); c.2314G>T, p.Gly772Ter (NM_001407648.1, NM_001407664.1, NM_001407665.1 and 19 more transcripts); c.2311G>T, p.Gly771Ter (NM_001407649.1, NM_001407670.1, NM_001407671.1 and 11 more transcripts); c.2359G>T, p.Gly787Ter (NM_001407653.1, NM_001407654.1, NM_001407655.1 and 4 more transcripts); and 42 more; short protein forms G813*, G766*, G517*, G685*, G742*, G771*, G810*, G686*.
Identifiers: ClinVar variation 54570 (VCV000054570.14), dbSNP rs80357186, ClinGen allele CA001626.
Genomic context (GRCh38, chr17:43,093,094, plus strand): 5'-ATGGATACTTAAAGCCTTCTGTGTCATTTCTATTATCTTTGGAACAACCATGAATTAGTC[C>A]CTTGGGGTTTTCAAATGCTGCACACTGACTCACACATTTATTTGGTTCTGTTTTTGCCTT-3'

ClinVar aggregate classification (germline): Pathogenic. Review status: reviewed by expert panel (3 of 4 stars). 6 submissions from 6 submitters: Pathogenic (1). 5 of the submissions do not count toward it. Last evaluated 2016-04-22.

Conditions:
Hereditary cancer-predisposing syndrome. Also called: Tumor predisposition; Neoplastic Syndromes, Hereditary; Hereditary Cancer Syndrome; Hereditary neoplastic syndrome. Identifiers: Orphanet 140162, MedGen C0027672, MeSH D009386, MONDO:0015356.
Hereditary breast ovarian cancer syndrome. Also called: Hereditary breast and ovarian cancer syndrome (HBOC); Hereditary breast and ovarian cancer syndrome; Hereditary breast and ovarian cancer; Hereditary breast and/or ovarian cancer syndrome; Breast and ovarian cancer; BRCA1- and BRCA2-Associated Hereditary Breast and Ovarian Cancer. Identifiers: Orphanet 145, MedGen C0677776, MeSH D061325, MONDO:0003582. Disease mechanism: loss of function.
Breast-ovarian cancer, familial, susceptibility to, 1 (BROVCA1). Also called: OVARIAN CANCER, SUSCEPTIBILITY TO; BRCA1 Hereditary Breast and Ovarian Cancer. Identifiers: Orphanet 145, MedGen C2676676, MONDO:0011450, OMIM 604370. Disease mechanism: loss of function.

Submissions (6):

Evidence-based Network for the Interpretation of Germline Mutant Alleles (ENIGMA)
Classification: Pathogenic for Breast-ovarian cancer, familial, susceptibility to, 1. Last evaluated: 2016-04-22. Review status: reviewed by expert panel. Criteria: ENIGMA BRCA1/2 Classification Criteria (2015). Collection method: curation. Allele origin: germline.
Comment: Variant allele predicted to encode a truncated non-functional protein.

Labcorp Genetics (formerly Invitae), Labcorp
Classification: Pathogenic for Hereditary breast ovarian cancer syndrome. Last evaluated: 2024-02-12. Review status: criteria provided, single submitter. Criteria: Invitae Variant Classification Sherloc (09022015). Collection method: clinical testing. Allele origin: germline. Not counted in ClinVar's aggregate classification.
Comment: This sequence change creates a premature translational stop signal (p.Gly813*) in the BRCA1 gene. It is expected to result in an absent or disrupted protein product. Loss-of-function variants in BRCA1 are known to be pathogenic (PMID: 20104584). This variant is not present in population databases (gnomAD no frequency). This premature translational stop signal has been observed in individual(s) with breast and/or ovarian cancer (PMID: 29446198). ClinVar contains an entry for this variant (Variation ID: 54570). For these reasons, this variant has been classified as Pathogenic.

Ambry Genetics
Classification: Pathogenic for Hereditary cancer-predisposing syndrome. Last evaluated: 2018-06-25. Review status: criteria provided, single submitter. Criteria: Ambry Variant Classification Scheme 2023. Collection method: clinical testing. Allele origin: germline. Not counted in ClinVar's aggregate classification.
Comment: The p.G813* pathogenic mutation (also known as c.2437G>T), located in coding exon 9 of the BRCA1 gene, results from a G to T substitution at nucleotide position 2437. This changes the amino acid from a glycine to a stop codon within coding exon 9. This alteration is expected to result in loss of function by premature protein truncation or nonsense-mediated mRNA decay. As such, this alteration is interpreted as a disease-causing mutation.

Consortium of Investigators of Modifiers of BRCA1/2 (CIMBA), c/o University of Cambridge
Classification: Pathogenic for Breast-ovarian cancer, familial, susceptibility to, 1. Last evaluated: 2015-10-02. Review status: criteria provided, single submitter. Criteria: CIMBA Mutation Classification guidelines May 2016. Collection method: clinical testing. Allele origin: germline. Not counted in ClinVar's aggregate classification.

Research Molecular Genetics Laboratory, Women's College Hospital, University of Toronto
Classification: Pathogenic for Hereditary breast ovarian cancer syndrome. Last evaluated: 2014-01-31. Review status: no assertion criteria provided. Collection method: research. Allele origin: germline. Affected: yes. Study: The Canadian Open Genetics Repository (COGR). Not counted in ClinVar's aggregate classification.

Breast Cancer Information Core (BIC) (BRCA1)
Classification: Pathogenic for Breast-ovarian cancer, familial 1. Review status: no assertion criteria provided. Collection method: clinical testing. Allele origin: germline. Affected: yes. Observed: 1 variant allele. Not counted in ClinVar's aggregate classification.

Literature cited by the submitters: PubMed 20104584 (cited by Labcorp Genetics (formerly Invitae), Labcorp); PubMed 29446198 (cited by Labcorp Genetics (formerly Invitae), Labcorp); PubMed 21702907 (cited by Ambry Genetics).